The following is an entry in ClinVar:

ClinVar aggregate classification (germline): Uncertain significance (1 of 4 stars; one submission).

Submission:

Labcorp Genetics (formerly Invitae), Labcorp
Classification: Uncertain significance. Last evaluated: 2023-06-14. Review status: criteria provided, single submitter. Criteria: Invitae Variant Classification Sherloc (09022015). Collection method: clinical testing. Allele origin: germline.
Comment: Advanced modeling of protein sequence and biophysical properties (such as structural, functional, and spatial information, amino acid conservation, physicochemical variation, residue mobility, and thermodynamic stability) performed at Invitae indicates that this missense variant is not expected to disrupt MTOR protein function. This sequence change replaces serine, which is neutral and polar, with arginine, which is basic and polar, at codon 916 of the MTOR protein (p.Ser916Arg). This variant is not present in population databases (gnomAD no frequency). This variant has not been reported in the literature in individuals affected with MTOR-related conditions. In summary, the available evidence is currently insufficient to determine the role of this variant in disease. Therefore, it has been classified as a Variant of Uncertain Significance.

NM_004958.4(MTOR):c.2748C>A (p.Ser916Arg)

Gene: MTOR (mechanistic target of rapamycin kinase; minus strand). Cytogenetic location: 1p36.22.
Variant type: single nucleotide variant.
Coding change: c.2748C>A on transcript NM_004958.4 (MANE Select); coding-DNA position 2748, C replaced by A.
Protein change: p.Ser916Arg; replaces serine 916 with arginine.
Molecular consequence: missense variant.
Genome position (GRCh38, 1-based): chr1:11,230,956, G>T on the plus strand (C>A on the coding strand, the complement: MTOR is on the minus strand). VCF-style: chr1-11230956-G-T. GRCh37 (hg19) VCF-style: chr1-11291013-G-T.
Other names: c.2748C>A, p.Ser916Arg (NM_001386500.1); c.1500C>A, p.Ser500Arg (NM_001386501.1); short protein forms S500R, S916R.
Identifiers: ClinVar variation 2713325 (VCV002713325.3), dbSNP rs962362163, ClinGen allele CA338380754.